The following is an entry in ClinVar:

ClinVar aggregate classification (germline): Uncertain significance (1 of 4 stars; one submission).

Conditions:
Hereditary cancer-predisposing syndrome. Also called: Neoplastic Syndromes, Hereditary; Hereditary Cancer Syndrome; Hereditary neoplastic syndrome; Tumor predisposition. Identifiers: Orphanet 140162, MedGen C0027672, MeSH D009386, MONDO:0015356.

Allele frequency attached by ClinVar (database versions not stated): gnomAD exomes below 0.00001.

Submission:

Ambry Genetics
Classification: Uncertain significance for Hereditary cancer-predisposing syndrome. Last evaluated: 2025-12-01. Review status: criteria provided, single submitter. Criteria: Ambry Variant Classification Scheme 2023. Collection method: clinical testing. Allele origin: germline.
Comment: The p.G354S variant (also known as c.1060G>A), located in coding exon 9 of the TSC1 gene, results from a G to A substitution at nucleotide position 1060. The glycine at codon 354 is replaced by serine, an amino acid with similar properties. This amino acid position is highly conserved in available vertebrate species. In addition, this alteration is predicted to be deleterious by in silico analysis. Based on the available evidence, the clinical significance of this variant remains unclear.

NM_000368.5(TSC1):c.1060G>A (p.Gly354Ser)

Gene: TSC1 (TSC complex subunit 1; minus strand). Cytogenetic location: 9q34.13.
Variant type: single nucleotide variant.
Coding change: c.1060G>A on transcript NM_000368.5 (MANE Select); coding-DNA position 1060, G replaced by A.
Protein change: p.Gly354Ser; replaces glycine 354 with serine.
Molecular consequence: missense variant. On other transcripts: non-coding transcript variant (5).
Genome position (GRCh38, 1-based): chr9:132,911,083, C>T on the plus strand (G>A on the coding strand, the complement: TSC1 is on the minus strand). VCF-style: chr9-132911083-C-T. GRCh37 (hg19) VCF-style: chr9-135786470-C-T.
Other names: c.1060G>A, p.Gly354Ser (NM_001162426.2, NM_001406592.1, NM_001406593.1 and 16 more transcripts); c.907G>A, p.Gly303Ser (NM_001162427.2, NM_001406610.1, NM_001406611.1 and 2 more transcripts); c.697G>A, p.Gly233Ser (NM_001362177.2, NM_001406614.1, NM_001406615.1 and 10 more transcripts); c.109G>A, p.Gly37Ser (NM_001406626.1, NM_001406627.1, NM_001406628.1); c.10G>A, p.Gly4Ser (NM_001406629.1, NM_001406630.1); short protein forms G4S, G37S, G233S, G303S, G354S.
Identifiers: ClinVar variation 2562889 (VCV002562889.3), dbSNP rs1845931822, ClinGen allele CA375367753.